The following is an entry in ClinVar:

ClinVar aggregate classification (germline): Conflicting classifications of pathogenicity. Review status: criteria provided, conflicting classifications (1 of 4 stars). 5 submissions from 5 submitters: Uncertain significance (4); Likely benign (1). Last evaluated 2023-10-09.

Conditions:
Intellectual disability, autosomal dominant 9 (NESCAVS). Also called: NESCAV SYNDROME; KIF1A-Related Neurodevelopmental Disorder. Identifiers: Orphanet 662367, MedGen C5393830, MONDO:0013656, OMIM 614255.
Neuropathy, hereditary sensory, type 2C. Also called: KIF1A-Related HSAN2 (HSAN2C); Hereditary sensory and autonomic neuropathy type IIC. Identifiers: Orphanet 970, MedGen C3280168, MONDO:0013634, OMIM 614213.
Hereditary spastic paraplegia 30. Identifiers: Orphanet 101010, MedGen C5235139, MONDO:0012476.

Allele frequency attached by ClinVar (database versions not stated): TOPMed 0.00001; gnomAD exomes below 0.00001 and 0.00001; gnomAD 0.00001.
gnomAD v4.1: 9 of 1,611,520 alleles (0.00056%); highest among the groups gnomAD compares: South Asian, 0.0022%; no homozygotes.

Submissions (5):

GeneDx
Classification: Uncertain significance. Last evaluated: 2023-10-09. Review status: criteria provided, single submitter. Criteria: GeneDx Variant Classification Process June 2021. Collection method: clinical testing. Allele origin: germline. Affected: yes.
Comment: In silico analysis supports that this missense variant has a deleterious effect on protein structure/function; Has not been previously published as pathogenic or benign to our knowledge; This variant is associated with the following publications: (PMID: 31343797)

Revvity Omics, Revvity
Classification: Uncertain significance. Last evaluated: 2022-12-15. Review status: criteria provided, single submitter. Criteria: ACMG Guidelines, 2015. Collection method: clinical testing. Allele origin: germline.

Labcorp Genetics (formerly Invitae), Labcorp
Classification: Likely benign for Hereditary spastic paraplegia 30; Neuropathy, hereditary sensory, type 2C; Intellectual disability, autosomal dominant 9. Last evaluated: 2022-08-09. Review status: criteria provided, single submitter. Criteria: Invitae Variant Classification Sherloc (09022015). Collection method: clinical testing. Allele origin: germline.

Victorian Clinical Genetics Services, Murdoch Childrens Research Institute
Classification: Uncertain significance for Intellectual disability, autosomal dominant 9. Last evaluated: 2020-10-19. Review status: criteria provided, single submitter. Criteria: ACMG Guidelines, 2015. Collection method: clinical testing. Allele origin: germline. Affected: yes.
Comment: Based on the classification scheme VCGS_Germline_v0.6.1, this variant is classified as 3B-VUS. Following criteria are met: 0101 - Gain of function is a known mechanism of disease for this gene. 0104 - Mechanism of disease for this gene is dominant negative. 0108 - This gene is known to be associated with both recessive and dominant disease. 0200 - Variant is predicted to result in a missense amino acid change from arginine to glutamine (exon 25). 0301 - Variant is present in gnomAD <0.001 for a dominant condition (1 heterozygote, 0 homozygotes). 0502 - Missense variant with conflicting in-silico predictions and uninformative conservation. 0600 - Variant is located in an annotated domain or motif that does not have a well established function (KIF1B domain; NCBI). 0705 - No comparable variants in relevant codon/region have previous evidence for pathogenicity. 0803 - Low previous evidence of pathogenicity in unrelated individuals. The variant has been previously described as likely pathogenic in a research setting (ClinVar). 0905 - No published segregation evidence has been identified for this variant. 1007 - No published functional evidence has been identified for this variant. Legend: (P) - Pathogenic, (N) - Neutral, (B) - Benign

Genomic Research Center, Shahid Beheshti University of Medical Sciences
Classification: Uncertain significance for Mental retardation, autosomal dominant 9. Last evaluated: 2020-05-03. Review status: criteria provided, single submitter. Criteria: ACMG Guidelines, 2015. Collection method: clinical testing. Allele origin: unknown. Affected: yes.

NM_001244008.2(KIF1A):c.2570G>A (p.Arg857Gln)

Gene: KIF1A (kinesin family member 1A; minus strand). Cytogenetic location: 2q37.3.
Variant type: single nucleotide variant.
Coding change: c.2570G>A on transcript NM_001244008.2 (MANE Select); coding-DNA position 2570, G replaced by A.
Protein change: p.Arg857Gln; replaces arginine 857 with glutamine.
Molecular consequence: missense variant.
Genome position (GRCh38, 1-based): chr2:240,758,372, C>T on the plus strand (G>A on the coding strand, the complement: KIF1A is on the minus strand). VCF-style: chr2-240758372-C-T. GRCh37 (hg19) VCF-style: chr2-241697789-C-T.
Other names: c.2543G>A (NM_004321.6); c.2570G>A, p.Arg857Gln (NM_001320705.2, NM_001330289.2, NM_001379638.1); c.2645G>A, p.Arg882Gln (NM_001330290.2, NM_001379631.1, NM_001379634.1 and 2 more transcripts); c.2543G>A, p.Arg848Gln (NM_001379632.1, NM_001379633.1, NM_001379636.1 and 10 more transcripts); c.2618G>A, p.Arg873Gln (NM_001379637.1, NM_001379648.1); short protein forms R848Q, R857Q, R882Q, R873Q.
Identifiers: ClinVar variation 522643 (VCV000522643.16), dbSNP rs1195594601, ClinGen allele CA351323373.
Genomic context (GRCh38, chr2:240,758,372, plus strand): 5'-TCTCTCTCTCAATCTCTCTCTCTGCCAAGGAAGGGAGGAGGCGCCCACCTGCCCACCAGC[C>T]GGAACCAGGGGAAGCGGTCATAGAAGGGGTCTCCGCCGGTCACCACGTTGTCACAGTCCT-3'
Protein context (NP_001230937.1, residues 847-867): DPFYDRFPWF[Arg857Gln]LVGSSAISGC